The following is an entry in ClinVar:

NM_006899.5(IDH3B):c.1036G>A (p.Ala346Thr)

Gene: IDH3B (isocitrate dehydrogenase (NAD(+)) 3 non-catalytic subunit beta; minus strand). Cytogenetic location: 20p13.
Variant type: single nucleotide variant.
Coding change: c.1036G>A on transcript NM_006899.5 (MANE Select); coding-DNA position 1036, G replaced by A.
Protein change: p.Ala346Thr; replaces alanine 346 with threonine.
Molecular consequence: missense variant. On other transcripts: non-coding transcript variant (1).
Genome position (GRCh38, 1-based): chr20:2,659,560, C>T on the plus strand (G>A on the coding strand, the complement: IDH3B is on the minus strand). VCF-style: chr20-2659560-C-T. GRCh37 (hg19) VCF-style: chr20-2640206-C-T.
Other names: c.1036G>A, p.Ala346Thr (NM_001258384.3, NM_001330763.2, NM_174855.4); c.1036G>A (NM_006899.2); short protein forms A346T.
Identifiers: ClinVar variation 1388966 (VCV001388966.5), dbSNP rs368124689, ClinGen allele CA9735087.
Genomic context (GRCh38, chr20:2,659,560, plus strand): 5'-GCCAGCACTACTCTTCTCAACTCACCTTGCCAACTTTGATCACCTTCTTCACCGCATCTG[C>T]GATCATGCTGGAGTGATACTCAAGACTGTGGATATGGACAGGAAGAAACTGTGACTCCCC-3'
Protein context (NP_008830.2, residues 336-356): LNLEYHSSMI[Ala346Thr]DAVKKVIKVG

ClinVar aggregate classification (germline): Uncertain significance. Review status: criteria provided, multiple submitters, no conflicts (2 of 4 stars). 2 submissions from 2 submitters: Uncertain significance (2). Last evaluated 2024-10-03.

Allele frequency attached by ClinVar (database versions not stated): gnomAD 0.00001 and 0.00002; ExAC 0.00002; gnomAD exomes 0.00002; TOPMed 0.00002; ESP Exome Variant Server 0.00008.
gnomAD v4.1: 35 of 1,614,102 alleles (0.0022%); highest among the groups gnomAD compares: South Asian, 0.0033%; no homozygotes.

Submissions (2):

Ambry Genetics
Classification: Uncertain significance. Last evaluated: 2024-10-03. Review status: criteria provided, single submitter. Criteria: Ambry Variant Classification Scheme 2023. Collection method: clinical testing. Allele origin: germline.

Labcorp Genetics (formerly Invitae), Labcorp
Classification: Uncertain significance. Last evaluated: 2022-04-16. Review status: criteria provided, single submitter. Criteria: Invitae Variant Classification Sherloc (09022015). Collection method: clinical testing. Allele origin: germline.
Comment: This sequence change replaces alanine, which is neutral and non-polar, with threonine, which is neutral and polar, at codon 346 of the IDH3B protein (p.Ala346Thr). This variant is present in population databases (rs368124689, gnomAD 0.01%). This variant has not been reported in the literature in individuals affected with IDH3B-related conditions. Algorithms developed to predict the effect of missense changes on protein structure and function are either unavailable or do not agree on the potential impact of this missense change (SIFT: "Not Available"; PolyPhen-2: "Possibly Damaging"; Align-GVGD: "Not Available"). In summary, the available evidence is currently insufficient to determine the role of this variant in disease. Therefore, it has been classified as a Variant of Uncertain Significance.